The following is an entry in ClinVar:

NM_182972.3(IRF2BP2):c.281AGC[6] (p.Gln98dup)

Genes: IRF2BP2 (interferon regulatory factor 2 binding protein 2; minus strand), LOC129932812 (ATAC-STARR-seq lymphoblastoid silent region 1977; plus strand). Cytogenetic location: 1q42.3.
Variant type: Microsatellite.
Coding change: c.281AGC[6] on transcript NM_182972.3 (MANE Select); six copies in a row of the 3-base unit AGC starting at c.281; the reference has five copies in a row; one copy, 3 bases duplicated; also written c.293_295dup.
Protein change: p.Gln98dup; duplicates glutamine 98.
Molecular consequence: inframe insertion.
Genome position (GRCh38, 1-based): chr1:234,609,200-234,609,202, GCT duplicated on the plus strand (AGC on the coding strand, the reverse complement: IRF2BP2 is on the minus strand); duplicating any 3 consecutive bases within chr1:234,609,200-234,609,216 gives the same sequence; the position shown is the placement nearest the transcript's 3' end. VCF-style (leftmost placement, unchanged base first): chr1-234609199-A-AGCT. GRCh37 (hg19) VCF-style: chr1-234744945-A-AGCT.
Other names: p.Gln98dup; c.293_295dup (NM_182972.2); c.281AGC[6], p.Gln98dup (NM_001077397.1); c.293_295dupAGC (NM_182972.3).
Identifiers: ClinVar variation 769557 (VCV000769557.21), dbSNP rs371994015, ClinGen allele CA1461872.

ClinVar aggregate classification (germline): Benign/Likely benign. Review status: criteria provided, multiple submitters, no conflicts (2 of 4 stars). 5 submissions from 5 submitters: Benign (3); Likely benign (2). Last evaluated 2026-02-04.

Conditions:
Immunodeficiency, common variable, 14. Identifiers: Orphanet 696904, MedGen C4540380, MONDO:0054691, OMIM 617765.

Submissions (5):

Labcorp Genetics (formerly Invitae), Labcorp
Classification: Benign. Last evaluated: 2026-02-04. Review status: criteria provided, single submitter. Criteria: Invitae Variant Classification Sherloc (09022015). Collection method: clinical testing. Allele origin: germline.

Women's Health and Genetics/Laboratory Corporation of America, LabCorp
Classification: Likely benign. Last evaluated: 2026-01-22. Review status: criteria provided, single submitter. Criteria: LabCorp Variant Classification Summary - May 2015. Collection method: clinical testing. Allele origin: germline.
Comment: Variant summary: IRF2BP2 c.293_295dupAGC (p.Gln98dup) results in an in-frame duplication that is predicted to duplicate 1 amino acid into the encoded protein. The variant allele was found at a frequency of 0.041 in 1311418 control chromosomes, predominantly at a frequency of 0.091 within the African or African-American subpopulation in the gnomAD database, including 257 homozygotes. The observed variant frequency within African or African-American control individuals in the gnomAD database exceeds the estimated maximal expected allele frequency for disease-causing variants in IRF2BP2. c.293_295dupAGC has been observed in three individuals affected with common variable immunodeficiency, without strong evidence of causality (example: de Valles-Ibanez_2018). These reports do not provide unequivocal conclusions about association of the variant with Immunodeficiency, common variable, 14. To our knowledge, no experimental evidence demonstrating an impact on protein function has been reported. The following publication has been ascertained in the context of this evaluation (PMID: 29867916). ClinVar contains an entry for this variant (Variation ID: 769557). Based on the evidence outlined above, the variant was classified as likely benign.

Blueprint Genetics
Classification: Likely benign. Last evaluated: 2024-11-26. Review status: criteria provided, single submitter. Criteria: ACMG Guidelines, 2015. Collection method: clinical testing. Allele origin: germline.

Mayo Clinic Laboratories, Mayo Clinic
Classification: Benign. Last evaluated: 2024-03-07. Review status: criteria provided, single submitter. Criteria: ACMG Guidelines, 2015. Collection method: clinical testing. Allele origin: germline. Observed: 3 variant alleles.
Comment: BS1, BS2

ARUP Laboratories, Molecular Genetics and Genomics, ARUP Laboratories
Classification: Benign for Immunodeficiency, common variable, 14. Last evaluated: 2023-11-09. Review status: criteria provided, single submitter. Criteria: ARUP Molecular Germline Variant Investigation Process 2024. Collection method: clinical testing. Allele origin: germline.

Literature cited by the submitters: PubMed 29867916 (cited by Women's Health and Genetics/Laboratory Corporation of America, LabCorp and Mayo Clinic Laboratories, Mayo Clinic).